The following is an entry in ClinVar:

NM_004462.5(FDFT1):c.131A>C (p.Tyr44Ser)

Gene: FDFT1 (farnesyl-diphosphate farnesyltransferase 1). Cytogenetic location: 8p23.1.
Variant type: single nucleotide variant.
Coding change: c.131A>C on transcript NM_004462.5 (MANE Select); coding-DNA position 131, A replaced by C.
Protein change: p.Tyr44Ser; replaces tyrosine 44 with serine.
Molecular consequence: missense variant. On other transcripts: 5 prime UTR variant (5), intron variant (1).
Genome position (GRCh38, 1-based): chr8:11,808,825, A>C. VCF-style: chr8-11808825-A-C. GRCh37 (hg19) VCF-style: chr8-11666334-A-C.
Other names: c.131A>C, p.Tyr44Ser (NM_001287742.2, NM_001287743.2); c.-62A>C (NM_001287744.2, NM_001287745.2, NM_001287747.2 and 2 more transcripts); c.308A>C, p.Tyr103Ser (NM_001287750.2); c.64+5915A>C (NM_001287756.2); short protein forms Y103S, Y44S.
Identifiers: ClinVar variation 4845265 (VCV004845265.1).
Genomic context (GRCh38, chr8:11,808,825, plus strand): 5'-CCACCGCCGTGTGTGTTGTCTGCCCGCAGGACTCGCTCAGCAGCAGCCTGAAAACTTGCT[A>C]CAAGTATCTCAATCAGACCAGTCGCAGTTTCGCAGCTGTTATCCAGGCGCTGGATGGGGA-3'
Protein context (NP_004453.3, residues 34-54): DSLSSSLKTC[Tyr44Ser]KYLNQTSRSF

ClinVar aggregate classification (germline): Uncertain significance (0 of 4 stars; one submission).

gnomAD v4.1: 1 of 1,613,860 alleles (0.000062%); highest among the groups gnomAD compares: Non-Finnish European, 0.000085%; no homozygotes.

Submission:

Diagnostics Centre, Carl Von Ossietzky University Oldenburg
Classification: Uncertain significance. Last evaluated: 2025-08-07. Review status: no assertion criteria provided. Collection method: clinical testing. Allele origin: germline. Affected: yes. Observed: 1 variant allele.
Comment: The variant FDFT1:c.131A>C p.(Tyr44Ser) located in the exon 2 of the FDFT1 gene results from a adenine-to-cytosine substitution at nucleotide position c.131. The tyrosine residue is replaced by a serine at protein position 44. The change is rated as unclear by in silico tools (REVEL = 0.623). The variant has not yet been described in ClinVar or in any publications known to us. The variant is classified as rare in the general population (MAF 7 * e-7 in gnomAD). In summary, this variant is classified as a variant of unclear significance.